The following is an entry in ClinVar:

NM_001267550.2(TTN):c.54646G>A (p.Val18216Ile)

Genes: TTN (titin; minus strand), TTN-AS1 (TTN antisense RNA 1; plus strand). Cytogenetic location: 2q31.2.
Variant type: single nucleotide variant.
Coding change: c.54646G>A on transcript NM_001267550.2 (MANE Select); coding-DNA position 54646, G replaced by A.
Protein change: p.Val18216Ile; replaces valine 18216 with isoleucine.
Molecular consequence: missense variant.
Genome position (GRCh38, 1-based): chr2:178,604,041, C>T on the plus strand (G>A on the coding strand, the complement: TTN is on the minus strand). VCF-style: chr2-178604041-C-T. GRCh37 (hg19) VCF-style: chr2-179468768-C-T.
Other names: c.49723G>A, p.Val16575Ile (NM_001256850.1); c.27451G>A, p.Val9151Ile (NM_003319.4); c.46942G>A, p.Val15648Ile (NM_133378.4); c.27826G>A, p.Val9276Ile (NM_133432.3); c.28027G>A, p.Val9343Ile (NM_133437.4); short protein forms V15648I, V16575I, V18216I, V9151I, V9276I, V9343I.
Identifiers: ClinVar variation 996304 (VCV000996304.3), dbSNP rs2054164910, ClinGen allele CA349550602.

ClinVar aggregate classification (germline): Uncertain significance. Review status: criteria provided, multiple submitters, no conflicts (2 of 4 stars). 2 submissions from 2 submitters: Uncertain significance (2). Last evaluated 2021-01-28.

Conditions:
Cardiovascular phenotype. Identifiers: MedGen CN230736.

Allele frequency attached by ClinVar (database versions not stated): gnomAD exomes below 0.00001; gnomAD 0.00001.
gnomAD v4.1: 4 of 1,612,828 alleles (0.00025%); highest among the groups gnomAD compares: Admixed American, 0.005%; no homozygotes.

Submissions (2):

Women's Health and Genetics/Laboratory Corporation of America, LabCorp
Classification: Uncertain significance. Last evaluated: 2021-01-28. Review status: criteria provided, single submitter. Criteria: LabCorp Variant Classification Summary - May 2015. Collection method: clinical testing. Allele origin: germline.
Comment: Variant summary: TTN c.46942G>A (p.Val15648Ile) results in a conservative amino acid change in the encoded protein sequence. Three of five in-silico tools predict a damaging effect of the variant on protein function. The variant was absent in 248564 control chromosomes. The available data on variant occurrences in the general population are insufficient to allow any conclusion about variant significance. To our knowledge, no occurrence of c.46942G>A in individuals affected with Dilated Cardiomyopathy and no experimental evidence demonstrating its impact on protein function have been reported. No clinical diagnostic laboratories have submitted clinical-significance assessments for this variant to ClinVar after 2014. Based on the evidence outlined above, the variant was classified as uncertain significance.

Ambry Genetics
Classification: Uncertain significance for Cardiovascular phenotype. Last evaluated: 2020-07-28. Review status: criteria provided, single submitter. Criteria: Ambry Variant Classification Scheme 2023. Collection method: clinical testing. Allele origin: germline.
Comment: The p.V9151I variant (also known as c.27451G>A), located in coding exon 109 of the TTN gene, results from a G to A substitution at nucleotide position 27451. The valine at codon 9151 is replaced by isoleucine, an amino acid with highly similar properties. This amino acid position is highly conserved in available vertebrate species. In addition, this alteration is predicted to be tolerated by in silico analysis. Since supporting evidence is limited at this time, the clinical significance of this alteration remains unclear.